The following is an entry in ClinVar:

ClinVar aggregate classification (germline): Uncertain significance (1 of 4 stars; one submission).

Conditions:
Bethlem myopathy 1A. Also called: MYOPATHY, BENIGN CONGENITAL, WITH CONTRACTURES; Bethlem myopathy 1; Bethlem Muscular Dystrophy. Identifiers: Orphanet 610, MedGen CN029274, MONDO:0024530, OMIM 158810.

Allele frequency attached by ClinVar (database versions not stated): gnomAD exomes below 0.00001.
gnomAD v4.1: 4 of 1,614,278 alleles (0.00025%); highest among the groups gnomAD compares: Non-Finnish European, 0.00034%; no homozygotes.

Submission:

Labcorp Genetics (formerly Invitae), Labcorp
Classification: Uncertain significance for Bethlem myopathy 1A. Last evaluated: 2022-11-09. Review status: criteria provided, single submitter. Criteria: Invitae Variant Classification Sherloc (09022015). Collection method: clinical testing. Allele origin: germline.
Comment: This sequence change replaces serine, which is neutral and polar, with asparagine, which is neutral and polar, at codon 1737 of the COL6A3 protein (p.Ser1737Asn). This variant is not present in population databases (gnomAD no frequency). This variant has not been reported in the literature in individuals affected with COL6A3-related conditions. Advanced modeling of protein sequence and biophysical properties (such as structural, functional, and spatial information, amino acid conservation, physicochemical variation, residue mobility, and thermodynamic stability) performed at Invitae indicates that this missense variant is expected to disrupt COL6A3 protein function. In summary, the available evidence is currently insufficient to determine the role of this variant in disease. Therefore, it has been classified as a Variant of Uncertain Significance.

NM_004369.4(COL6A3):c.5210G>A (p.Ser1737Asn)

Gene: COL6A3 (collagen type VI alpha 3 chain; minus strand). Cytogenetic location: 2q37.3.
Variant type: single nucleotide variant.
Coding change: c.5210G>A on transcript NM_004369.4 (MANE Select); coding-DNA position 5210, G replaced by A.
Protein change: p.Ser1737Asn; replaces serine 1737 with asparagine.
Molecular consequence: missense variant.
Genome position (GRCh38, 1-based): chr2:237,366,977, C>T on the plus strand (G>A on the coding strand, the complement: COL6A3 is on the minus strand). VCF-style: chr2-237366977-C-T. GRCh37 (hg19) VCF-style: chr2-238275620-C-T.
Other names: c.3389G>A, p.Ser1130Asn (NM_057166.5); c.4592G>A, p.Ser1531Asn (NM_057167.4); short protein forms S1737N, S1130N, S1531N.
Identifiers: ClinVar variation 2957316 (VCV002957316.3), dbSNP rs2106350702, ClinGen allele CA351187981.